The following is an entry in ClinVar:

ClinVar aggregate classification (germline): Likely pathogenic (1 of 4 stars; one submission).

Conditions:
Malignant hyperthermia, susceptibility to, 1 (MHS1). Also called: Anesthesia related hyperthermia; Malignant hyperpyrexia; Fulminating hyperpyrexia; Pharmacogenic myopathy; RYR1-Related Malignant Hyperthermia Susceptibility; Malignant hyperthermia suceptibility 1. Identifiers: Orphanet 423, MedGen C2930980, MONDO:0007783, OMIM 145600.

Submission:

Department of Molecular Genetics, Istishari Arab Hospital
Classification: Likely pathogenic for Malignant hyperthermia, susceptibility to, 1. Last evaluated: 2026-10-31. Review status: criteria provided, single submitter. Criteria: ACMG Guidelines, 2015. Collection method: clinical testing. Allele origin: germline. Inheritance: Autosomal dominant inheritance. Affected: no.
Comment: The RYR1 variant c.105C>G, p.Cys35Trp creates an amino acid change from Cys to Trp at position 35 in exon 2 (of 106). The variant is not observed in the gnomAD v4.1.0 dataset, and to the best of our knowledge, it was not previously reported in the literature. A different amino acid change at the same position (p.Cys35Arg) was previously reported as pathogenic in cases of autosomal dominant Malignant hyperthermia (VCV000132995.13). This variant is classified as likely pathogenic based on the implementation of ACMG/AMP/ClinGen SVI guidelines.

NM_000540.3(RYR1):c.105C>G (p.Cys35Trp)

Gene: RYR1 (ryanodine receptor 1; plus strand). Cytogenetic location: 19q13.2.
Variant type: single nucleotide variant.
Coding change: c.105C>G on transcript NM_000540.3 (MANE Select); coding-DNA position 105, C replaced by G.
Protein change: p.Cys35Trp; replaces cysteine 35 with tryptophan.
Molecular consequence: missense variant.
Genome position (GRCh38, 1-based): chr19:38,440,804, C>G. VCF-style: chr19-38440804-C-G. GRCh37 (hg19) VCF-style: chr19-38931444-C-G.
Other names: p.Cys35Trp; c.105C>G, p.Cys35Trp (NM_001042723.2); short protein forms C35W.
Identifiers: ClinVar variation 5042608 (VCV005042608.1).